The following is an entry in ClinVar:

NM_001365536.1(SCN9A):c.4358T>C (p.Ile1453Thr)

Genes: SCN1A-AS1 (SCN1A and SCN9A antisense RNA 1; plus strand), SCN9A (sodium voltage-gated channel alpha subunit 9; minus strand). Cytogenetic location: 2q24.3.
Variant type: single nucleotide variant.
Coding change: c.4358T>C on transcript NM_001365536.1 (MANE Select); coding-DNA position 4358, T replaced by C.
Protein change: p.Ile1453Thr; replaces isoleucine 1453 with threonine.
Molecular consequence: missense variant.
Genome position (GRCh38, 1-based): chr2:166,226,607, A>G on the plus strand (T>C on the coding strand, the complement: SCN9A is on the minus strand). VCF-style: chr2-166226607-A-G. GRCh37 (hg19) VCF-style: chr2-167083117-A-G.
Other names: c.4325T>C, p.Ile1442Thr (NM_002977.4); short protein forms I1442T, I1453T.
Identifiers: ClinVar variation 578051 (VCV000578051.11), dbSNP rs1558963758, ClinGen allele CA349061905.

ClinVar aggregate classification (germline): Uncertain significance. Review status: criteria provided, multiple submitters, no conflicts (2 of 4 stars). 3 submissions from 3 submitters: Uncertain significance (3). Last evaluated 2022-01-05.

Conditions:
Neuropathy, hereditary sensory and autonomic, type 2A (HSAN2A). Also called: HSAN IIA; ACROOSTEOLYSIS, GIACCAI TYPE; ACROOSTEOLYSIS, NEUROGENIC; WNK1-Related HSAN2 (HSAN2A); MORVAN DISEASE; NEUROPATHY, CONGENITAL SENSORY. Identifiers: Orphanet 970, MedGen C2752089, MONDO:0024309, OMIM 201300.
Generalized epilepsy with febrile seizures plus, type 7 (GEFSP7). Also called: GEFS+, TYPE 7. Identifiers: Orphanet 36387, MedGen C2751778, MONDO:0013470, OMIM 613863.
Inborn genetic diseases. Identifiers: MedGen C0950123, MeSH D030342.

Allele frequency attached by ClinVar (database versions not stated): TOPMed below 0.00001; gnomAD 0.00001; gnomAD exomes 0.00001.
gnomAD v4.1: 12 of 1,588,992 alleles (0.00076%); highest among the groups gnomAD compares: South Asian, 0.0024%; 1 homozygote.

Submissions (3):

Ambry Genetics
Classification: Uncertain significance for Inborn genetic diseases. Last evaluated: 2022-01-05. Review status: criteria provided, single submitter. Criteria: Ambry Variant Classification Scheme 2023. Collection method: clinical testing. Allele origin: germline.

GeneDx
Classification: Uncertain significance. Last evaluated: 2019-09-03. Review status: criteria provided, single submitter. Criteria: GeneDx Variant Classification Process June 2021. Collection method: clinical testing. Allele origin: germline. Affected: yes.
Comment: Not observed in large population cohorts (Lek et al., 2016); In silico analysis, which includes protein predictors and evolutionary conservation, supports a deleterious effect; Has not been previously published as pathogenic or benign to our knowledge

Labcorp Genetics (formerly Invitae), Labcorp
Classification: Uncertain significance for Neuropathy, hereditary sensory and autonomic, type 2A; Generalized epilepsy with febrile seizures plus, type 7. Last evaluated: 2018-05-01. Review status: criteria provided, single submitter. Criteria: Invitae Variant Classification Sherloc (09022015). Collection method: clinical testing. Allele origin: germline.
Comment: This variant is not present in population databases (ExAC no frequency). This sequence change replaces isoleucine with threonine at codon 1442 of the SCN9A protein (p.Ile1442Thr). The isoleucine residue is highly conserved and there is a moderate physicochemical difference between isoleucine and threonine. This variant has not been reported in the literature in individuals with SCN9A-related disease. Algorithms developed to predict the effect of missense changes on protein structure and function (SIFT, PolyPhen-2, Align-GVGD) all suggest that this variant is likely to be disruptive, but these predictions have not been confirmed by published functional studies and their clinical significance is uncertain. In summary, the available evidence is currently insufficient to determine the role of this variant in disease. Therefore, it has been classified as a Variant of Uncertain Significance.